The following is an entry in ClinVar:

NM_017777.4(MKS1):c.1096G>T (p.Asp366Tyr)

Gene: MKS1 (MKS transition zone complex subunit 1; minus strand). Cytogenetic location: 17q22.
Variant type: single nucleotide variant.
Coding change: c.1096G>T on transcript NM_017777.4 (MANE Select); coding-DNA position 1096, G replaced by T.
Protein change: p.Asp366Tyr; replaces aspartic acid 366 with tyrosine.
Molecular consequence: missense variant.
Genome position (GRCh38, 1-based): chr17:58,208,174, C>A on the plus strand (G>T on the coding strand, the complement: MKS1 is on the minus strand). VCF-style: chr17-58208174-C-A. GRCh37 (hg19) VCF-style: chr17-56285535-C-A.
Other names: c.487G>T, p.Asp163Tyr (NM_001321268.2); c.1096G>T, p.Asp366Tyr (NM_001321269.2, NM_001330397.2); short protein forms D163Y, D366Y.
Identifiers: ClinVar variation 1421214 (VCV001421214.6), dbSNP rs2143753811, ClinGen allele CA400325765.

ClinVar aggregate classification (germline): Uncertain significance (1 of 4 stars; one submission).

Conditions:
Joubert syndrome. Also called: CEREBELLOPARENCHYMAL DISORDER IV; JOUBERT-BOLTSHAUSER SYNDROME; Familial aplasia of the vermis. Identifiers: Orphanet 475, MedGen C5979921, MONDO:0018772.
Meckel-Gruber syndrome. Also called: DYSENCEPHALIA SPLANCHNOCYSTICA; GRUBER SYNDROME; Dysencephalia splachnocystica. Identifiers: Orphanet 564, MedGen C0265215, MONDO:0018921.

Submission:

Labcorp Genetics (formerly Invitae), Labcorp
Classification: Uncertain significance for Joubert syndrome; Meckel-Gruber syndrome. Last evaluated: 2022-08-16. Review status: criteria provided, single submitter. Criteria: Invitae Variant Classification Sherloc (09022015). Collection method: clinical testing. Allele origin: germline.
Comment: ClinVar contains an entry for this variant (Variation ID: 1421214). This sequence change replaces aspartic acid, which is acidic and polar, with tyrosine, which is neutral and polar, at codon 366 of the MKS1 protein (p.Asp366Tyr). This variant is not present in population databases (gnomAD no frequency). This variant has not been reported in the literature in individuals affected with MKS1-related conditions. Algorithms developed to predict the effect of missense changes on protein structure and function are either unavailable or do not agree on the potential impact of this missense change (SIFT: "Deleterious"; PolyPhen-2: "Benign"; Align-GVGD: "Class C0"). Algorithms developed to predict the effect of sequence changes on RNA splicing suggest that this variant may disrupt the consensus splice site. In summary, the available evidence is currently insufficient to determine the role of this variant in disease. Therefore, it has been classified as a Variant of Uncertain Significance.